The following is an entry in ClinVar:

NM_004006.3(DMD):c.4675-1G>T

Gene: DMD (dystrophin; minus strand). Cytogenetic location: Xp21.1.
Variant type: single nucleotide variant.
Coding change: c.4675-1G>T on transcript NM_004006.3 (MANE Select); the canonical splice acceptor site of the intron before coding-DNA position 4675, G replaced by T.
Molecular consequence: splice acceptor variant.
Genome position (GRCh38, 1-based): chrX:32,380,681, C>A on the plus strand (G>T on the coding strand, the complement: DMD is on the minus strand). VCF-style: chrX-32380681-C-A. GRCh37 (hg19) VCF-style: chrX-32398798-C-A.
Other names: c.4651-1G>T (NM_000109.4); c.652-1G>T (NM_004011.4); c.643-1G>T (NM_004012.4); c.4663-1G>T (NM_004009.3); c.4306-1G>T (NM_004010.3).
Identifiers: ClinVar variation 1322726 (VCV001322726.31), dbSNP rs2097921115, ClinGen allele CA412661718.

ClinVar aggregate classification (germline): Pathogenic (1 of 4 stars; one submission).

Submission:

CeGaT Center for Human Genetics Tuebingen
Classification: Pathogenic. Last evaluated: 2022-11-01. Review status: criteria provided, single submitter. Criteria: CeGaT Center For Human Genetics Tuebingen Variant Classification Criteria Version 2. Collection method: clinical testing. Allele origin: germline. Affected: yes. Observed: 1 variant allele.
Comment: DMD: PVS1, PM2